The following is an entry in ClinVar:

NM_000264.5(PTCH1):c.154C>G (p.Arg52Gly)

Genes: PTCH1 (patched 1; minus strand), LOC130002133 (ATAC-STARR-seq lymphoblastoid silent region 20071; plus strand). Cytogenetic location: 9q22.32.
Variant type: single nucleotide variant.
Coding change: c.154C>G on transcript NM_000264.5 (MANE Select); coding-DNA position 154, C replaced by G.
Protein change: p.Arg52Gly; replaces arginine 52 with glycine.
Molecular consequence: missense variant. On other transcripts: non-coding transcript variant (1), intron variant (3).
Genome position (GRCh38, 1-based): chr9:95,508,208, G>C on the plus strand (C>G on the coding strand, the complement: PTCH1 is on the minus strand). VCF-style: chr9-95508208-G-C. GRCh37 (hg19) VCF-style: chr9-98270490-G-C.
Other names: c.154C>G, p.Arg52Gly (NM_001354918.2); c.199-1609C>G (NM_001083603.3); c.4-1609C>G (NM_001083602.3, NM_001354919.2); short protein forms R52G.
Identifiers: ClinVar variation 1040375 (VCV001040375.12), dbSNP rs1587700366, ClinGen allele CA374121339.

ClinVar aggregate classification (germline): Uncertain significance. Review status: criteria provided, multiple submitters, no conflicts (2 of 4 stars). 2 submissions from 2 submitters: Uncertain significance (2). Last evaluated 2025-11-23.

Conditions:
Hereditary cancer-predisposing syndrome. Also called: Hereditary neoplastic syndrome; Neoplastic Syndromes, Hereditary; Tumor predisposition; Hereditary Cancer Syndrome. Identifiers: Orphanet 140162, MedGen C0027672, MeSH D009386, MONDO:0015356.
Gorlin syndrome. Also called: Nevoid Basal Cell Carcinoma Syndrome; Basal cell nevus syndrome. Identifiers: Orphanet 377, MedGen C0004779, MONDO:0007187.

Submissions (2):

Ambry Genetics
Classification: Uncertain significance for Hereditary cancer-predisposing syndrome. Last evaluated: 2025-11-23. Review status: criteria provided, single submitter. Criteria: Ambry Variant Classification Scheme 2023. Collection method: clinical testing. Allele origin: germline.
Comment: The p.R52G variant (also known as c.154C>G), located in coding exon 1 of the PTCH1 gene, results from a C to G substitution at nucleotide position 154. The arginine at codon 52 is replaced by glycine, an amino acid with dissimilar properties. This amino acid position is highly conserved in available vertebrate species. In addition, this alteration is predicted to be deleterious by in silico analysis. Since supporting evidence is limited at this time, the clinical significance of this alteration remains unclear.

Labcorp Genetics (formerly Invitae), Labcorp
Classification: Uncertain significance for Gorlin syndrome. Last evaluated: 2022-11-22. Review status: criteria provided, single submitter. Criteria: Invitae Variant Classification Sherloc (09022015). Collection method: clinical testing. Allele origin: germline.
Comment: Advanced modeling of protein sequence and biophysical properties (such as structural, functional, and spatial information, amino acid conservation, physicochemical variation, residue mobility, and thermodynamic stability) has been performed at Invitae for this missense variant, however the output from this modeling did not meet the statistical confidence thresholds required to predict the impact of this variant on PTCH1 protein function. ClinVar contains an entry for this variant (Variation ID: 1040375). This variant has not been reported in the literature in individuals affected with PTCH1-related conditions. This variant is not present in population databases (gnomAD no frequency). This sequence change replaces arginine, which is basic and polar, with glycine, which is neutral and non-polar, at codon 52 of the PTCH1 protein (p.Arg52Gly). In summary, the available evidence is currently insufficient to determine the role of this variant in disease. Therefore, it has been classified as a Variant of Uncertain Significance.